The following is an entry in ClinVar:

NM_001162501.2(TNRC6B):c.2890G>T (p.Glu964Ter)

Gene: TNRC6B (trinucleotide repeat containing adaptor 6B; plus strand). Cytogenetic location: 22q13.1.
Variant type: single nucleotide variant.
Coding change: c.2890G>T on transcript NM_001162501.2 (MANE Select); coding-DNA position 2890, G replaced by T.
Protein change: p.Glu964Ter; replaces glutamic acid 964 with a stop codon.
Molecular consequence: nonsense. On other transcripts: intron variant (1).
Genome position (GRCh38, 1-based): chr22:40,270,205, G>T. VCF-style: chr22-40270205-G-T. GRCh37 (hg19) VCF-style: chr22-40666209-G-T.
Other names: c.649G>T, p.Glu217Ter (NM_001024843.2); c.2806+3169G>T (NM_015088.3); short protein forms E217*, E964*.
Identifiers: ClinVar variation 3255082 (VCV003255082.1), dbSNP rs1394206729.

ClinVar aggregate classification (germline): Uncertain significance (1 of 4 stars; one submission).

Conditions:
Global developmental delay with speech and behavioral abnormalities. Identifiers: MedGen C5543226, MONDO:0030995, OMIM 619243.

gnomAD v4.1: 13 of 1,559,278 alleles (0.00083%); highest among the groups gnomAD compares: Non-Finnish European, 0.0011%; no homozygotes.

Submission:

Victorian Clinical Genetics Services, Murdoch Childrens Research Institute
Classification: Uncertain significance for Global developmental delay with speech and behavioral abnormalities. Last evaluated: 2023-12-21. Review status: criteria provided, single submitter. Criteria: ACMG Guidelines, 2015. Collection method: clinical testing. Allele origin: germline. Inheritance: Autosomal dominant inheritance. Affected: yes.
Comment: Based on the classification scheme VCGS_Germline_v1.3.4, this variant is classified as VUS-3A. Following criteria are met: 0102 - Loss of function is a known mechanism of disease in this gene and is associated with global developmental delay with speech and behavioural abnormalities (MIM#619243). (I) 0107 - This gene is associated with autosomal dominant disease. (I) 0115 - Variants in this gene are known to have variable expressivity, where parents of affected individuals were only mildly affected (PMID: 32152250). (I) 0202 - Variant is predicted to cause nonsense-mediated decay (NMD) and loss of protein (premature termination codon is located at least 54 nucleotides upstream of the final exon-exon junction); however, it is located in an exon that may undergo alternative splicing. (SP) 0219 - This variant is non-coding in an alternative transcript, but is coding in two other transcripts including the predominantly used transcript in ClinVar (UCSC). While the coding transcripts are well expressed (GTex), there are no pathogenic variants within this exon. (I) 0251 - This variant is heterozygous. (I) 0301 - Variant is absent from gnomAD (both v2 and v3). (SP) 0701 - Other NMD-predicted variants comparable to the one identified in this case have very strong previous evidence for pathogenicity. However, none of these variants are in the same exon as this variant (PMID: 32152250, DECIPHER). (I) 0807 - This variant has no previous evidence of pathogenicity. (I) 0905 - No published segregation evidence has been identified for this variant. (I) 1007 - No published functional evidence has been identified for this variant. (I) Legend: (SP) - Supporting pathogenic, (I) - Information, (SB) - Supporting benign

Literature cited by the submitters: PubMed 32152250.